The following is an entry in ClinVar:

NM_001098484.3(SLC4A4):c.270A>T (p.Glu90Asp)

Gene: SLC4A4 (solute carrier family 4 member 4; plus strand). Cytogenetic location: 4q13.3.
Variant type: single nucleotide variant.
Coding change: c.270A>T on transcript NM_001098484.3 (MANE Select); coding-DNA position 270, A replaced by T.
Protein change: p.Glu90Asp; replaces glutamic acid 90 with aspartic acid.
Molecular consequence: missense variant.
Genome position (GRCh38, 1-based): chr4:71,339,386, A>T. VCF-style: chr4-71339386-A-T. GRCh37 (hg19) VCF-style: chr4-72205103-A-T.
Other names: c.270A>T, p.Glu90Asp (NM_001134742.2); c.138A>T, p.Glu46Asp (NM_003759.4); short protein forms E46D, E90D.
Identifiers: ClinVar variation 2078772 (VCV002078772.5), dbSNP rs144438179, ClinGen allele CA2954524.

ClinVar aggregate classification (germline): Uncertain significance. Review status: criteria provided, multiple submitters, no conflicts (2 of 4 stars). 3 submissions from 3 submitters: Uncertain significance (3). Last evaluated 2024-05-13.

Conditions:
Inborn genetic diseases. Identifiers: MedGen C0950123, MeSH D030342.
Autosomal recessive proximal renal tubular acidosis (PRTAO). Also called: RENAL TUBULAR ACIDOSIS, PROXIMAL, WITH OCULAR ABNORMALITIES AND MENTAL RETARDATION; RENAL TUBULAR ACIDOSIS, PROXIMAL, WITH OCULAR ABNORMALITIES AND IMPAIRED INTELLECTUAL DEVELOPMENT; RTA, PROXIMAL, AUTOSOMAL RECESSIVE; PROXIMAL RENAL TUBULAR ACIDOSIS-OCULAR ANOMALY SYNDROME. Identifiers: Orphanet 93607, MedGen C1970309, MONDO:0011422, OMIM 604278.

Allele frequency attached by ClinVar (database versions not stated): gnomAD exomes 0.00001; ExAC 0.00005; gnomAD 0.00009; TOPMed 0.00015; ESP Exome Variant Server 0.00023.
gnomAD v4.1: 32 of 1,614,012 alleles (0.002%); highest among the groups gnomAD compares: African/African-American, 0.043%; no homozygotes.

Submissions (3):

Fulgent Genetics
Classification: Uncertain significance for Autosomal recessive proximal renal tubular acidosis. Last evaluated: 2024-05-13. Review status: criteria provided, single submitter. Criteria: ACMG Guidelines, 2015. Collection method: clinical testing. Allele origin: germline.

Labcorp Genetics (formerly Invitae), Labcorp
Classification: Uncertain significance. Last evaluated: 2024-02-05. Review status: criteria provided, single submitter. Criteria: Invitae Variant Classification Sherloc (09022015). Collection method: clinical testing. Allele origin: germline.
Comment: This sequence change replaces glutamic acid, which is acidic and polar, with aspartic acid, which is acidic and polar, at codon 46 of the SLC4A4 protein (p.Glu46Asp). This variant is present in population databases (rs144438179, gnomAD 0.05%). This variant has not been reported in the literature in individuals affected with SLC4A4-related conditions. ClinVar contains an entry for this variant (Variation ID: 2078772). An algorithm developed to predict the effect of missense changes on protein structure and function (PolyPhen-2) suggests that this variant is likely to be disruptive. In summary, the available evidence is currently insufficient to determine the role of this variant in disease. Therefore, it has been classified as a Variant of Uncertain Significance.

Ambry Genetics
Classification: Uncertain significance for Inborn genetic diseases. Last evaluated: 2021-10-12. Review status: criteria provided, single submitter. Criteria: Ambry Variant Classification Scheme 2023. Collection method: clinical testing. Allele origin: germline.